The following is an entry in ClinVar:

ClinVar aggregate classification (germline): Likely pathogenic (1 of 4 stars; one submission).

Conditions:
Autosomal dominant osteopetrosis 2. Also called: ALBERS-SCHONBERG DISEASE, AUTOSOMAL DOMINANT; OSTEOSCLEROSIS FRAGILIS GENERALISATA; Autosomal Dominant Osteopetrosis Type II (ADOII); Osteopetroses; Marble bones; Albers-Schonberg disease. Identifiers: Orphanet 53, MedGen C3179239, MONDO:0008156, OMIM 166600.
Hypopigmentation, organomegaly, and delayed myelination and development. Identifiers: MedGen C5203300, MONDO:0032805, OMIM 618541.
Autosomal recessive osteopetrosis 4. Also called: infantile malignant CLCN7-related recessive osteopetrosis; CLCN7-Related Osteopetrosis. Identifiers: Orphanet 667, MedGen C1969106, MONDO:0012676, OMIM 611490.

Submission:

Juno Genomics, Hangzhou Juno Genomics, Inc
Classification: Likely pathogenic for Hypopigmentation, organomegaly, and delayed myelination and development; Autosomal dominant osteopetrosis 2; Autosomal recessive osteopetrosis 4. Review status: criteria provided, single submitter. Criteria: ACMG Guidelines, 2015. Collection method: clinical testing. Allele origin: germline.
Comment: Null variant in a gene where loss of function (LOF) is a known mechanism of disease.;Absent from controls (or at extremely low frequency if recessive) in Genome Aggregation Database.

NM_001287.6(CLCN7):c.1447+1G>A

Gene: CLCN7 (Cl-/H+ antiporter 7; minus strand). Cytogenetic location: 16p13.3.
Variant type: single nucleotide variant.
Coding change: c.1447+1G>A on transcript NM_001287.6 (MANE Select); the canonical splice donor site of the intron after coding-DNA position 1447, G replaced by A.
Molecular consequence: splice donor variant.
Genome position (GRCh38, 1-based): chr16:1,451,622, C>T on the plus strand (G>A on the coding strand, the complement: CLCN7 is on the minus strand). VCF-style: chr16-1451622-C-T. GRCh37 (hg19) VCF-style: chr16-1501623-C-T.
Other names: c.1375+1G>A (NM_001114331.3).
Identifiers: ClinVar variation 5005507 (VCV005005507.2).